The following is an entry in ClinVar:

ClinVar aggregate classification (germline): Uncertain significance (1 of 4 stars; one submission).

Conditions:
Dilated cardiomyopathy 1M (CMD1M). Identifiers: Orphanet 154, MedGen C1843808, MONDO:0011840, OMIM 607482.
Hypertrophic cardiomyopathy 12. Identifiers: MedGen C2677491, MONDO:0012804, OMIM 612124.

Allele frequency attached by ClinVar (database versions not stated): gnomAD exomes below 0.00001; TOPMed below 0.00001.
gnomAD v4.1: 1 of 1,613,638 alleles (0.000062%); highest among the groups gnomAD compares: Non-Finnish European, 0.000085%; no homozygotes.

Submission:

Labcorp Genetics (formerly Invitae), Labcorp
Classification: Uncertain significance for Hypertrophic cardiomyopathy 12; Dilated cardiomyopathy 1M. Last evaluated: 2025-04-20. Review status: criteria provided, single submitter. Criteria: Invitae Variant Classification Sherloc (09022015). Collection method: clinical testing. Allele origin: germline.
Comment: This sequence change replaces tyrosine, which is neutral and polar, with asparagine, which is neutral and polar, at codon 66 of the CSRP3 protein (p.Tyr66Asn). This variant is not present in population databases (gnomAD no frequency). This variant has not been reported in the literature in individuals affected with CSRP3-related conditions. ClinVar contains an entry for this variant (Variation ID: 1045551). An algorithm developed to predict the effect of missense changes on protein structure and function (PolyPhen-2) suggests that this variant is likely to be disruptive. In summary, the available evidence is currently insufficient to determine the role of this variant in disease. Therefore, it has been classified as a Variant of Uncertain Significance.

NM_003476.5(CSRP3):c.196T>A (p.Tyr66Asn)

Gene: CSRP3 (cysteine and glycine rich protein 3; minus strand). Cytogenetic location: 11p15.1.
Variant type: single nucleotide variant.
Coding change: c.196T>A on transcript NM_003476.5 (MANE Select); coding-DNA position 196, T replaced by A.
Protein change: p.Tyr66Asn; replaces tyrosine 66 with asparagine.
Molecular consequence: missense variant. On other transcripts: intron variant (1).
Genome position (GRCh38, 1-based): chr11:19,188,221, A>T on the plus strand (T>A on the coding strand, the complement: CSRP3 is on the minus strand). VCF-style: chr11-19188221-A-T. GRCh37 (hg19) VCF-style: chr11-19209768-A-T.
Other names: c.113-1873T>A (NM_001369404.1); short protein forms Y66N.
Identifiers: ClinVar variation 1045551 (VCV001045551.8), dbSNP rs1319244603, ClinGen allele CA379888284.